The following is an entry in ClinVar:

ClinVar aggregate classification (germline): Uncertain significance (1 of 4 stars; one submission).

Conditions:
Retinitis pigmentosa 71 (RP71). Identifiers: Orphanet 791, MedGen C4225342, MONDO:0014618, OMIM 616394.
Short-rib thoracic dysplasia 10 with or without polydactyly (SRTD10). Identifiers: Orphanet 474, MedGen C3810175, MONDO:0014284, OMIM 615630.

Submission:

Labcorp Genetics (formerly Invitae), Labcorp
Classification: Uncertain significance for Retinitis pigmentosa 71; Short-rib thoracic dysplasia 10 with or without polydactyly. Last evaluated: 2021-04-03. Review status: criteria provided, single submitter. Criteria: Invitae Variant Classification Sherloc (09022015). Collection method: clinical testing. Allele origin: germline.
Comment: This variant is not present in population databases (ExAC no frequency). This variant, c.1198_1200del, results in the deletion of 1 amino acid(s) of the IFT172 protein (p.Lys400del), but otherwise preserves the integrity of the reading frame. This variant has not been reported in the literature in individuals with IFT172-related conditions. In summary, the available evidence is currently insufficient to determine the role of this variant in disease. Therefore, it has been classified as a Variant of Uncertain Significance. Experimental studies and prediction algorithms are not available or were not evaluated, and the functional significance of this variant is currently unknown.

NM_015662.3(IFT172):c.1198_1200del (p.Lys400del)

Gene: IFT172 (intraflagellar transport 172; minus strand). Cytogenetic location: 2p23.3.
Variant type: Deletion.
Coding change: c.1198_1200del on transcript NM_015662.3 (MANE Select); coding-DNA positions 1198 to 1200, 3 bases deleted (AAG; older notation c.1198_1200delAAG).
Protein change: p.Lys400del; deletes lysine 400.
Molecular consequence: inframe deletion.
Genome position (GRCh38, 1-based): chr2:27,477,580-27,477,582, CTT deleted on the plus strand (AAG on the coding strand, the reverse complement: IFT172 is on the minus strand); deleting any 3 consecutive bases within chr2:27,477,580-27,477,584 gives the same sequence; the c. name uses the placement nearest the transcript's 3' end. VCF-style (leftmost placement, unchanged base first): chr2-27477579-ACTT-A. GRCh37 (hg19) VCF-style: chr2-27700446-ACTT-A.
Other names: short protein forms K400del.
Identifiers: ClinVar variation 1478974 (VCV001478974.8), dbSNP rs2148542998, ClinGen allele CA2573134436.